The following is an entry in ClinVar:

ClinVar aggregate classification (germline): Uncertain significance (1 of 4 stars; one submission).

Conditions:
Pierson syndrome. Also called: MICROCORIA-CONGENITAL NEPHROTIC SYNDROME. Identifiers: Orphanet 2670, MedGen C1836876, MONDO:0012184, OMIM 609049.
LAMB2-related infantile-onset nephrotic syndrome. Also called: Nephrotic Syndrome, type 5; NEPHROTIC SYNDROME, TYPE 5, WITHOUT OCULAR ABNORMALITIES; NEPHROTIC SYNDROME, TYPE 5, WITH OCULAR ABNORMALITIES. Identifiers: Orphanet 306507, MedGen C3280113, MONDO:0013621, OMIM 614199.

Submission:

Labcorp Genetics (formerly Invitae), Labcorp
Classification: Uncertain significance for LAMB2-related infantile-onset nephrotic syndrome; Pierson syndrome. Last evaluated: 2019-03-07. Review status: criteria provided, single submitter. Criteria: Invitae Variant Classification Sherloc (09022015). Collection method: clinical testing. Allele origin: germline.
Comment: This sequence change replaces proline with arginine at codon 979 of the LAMB2 protein (p.Pro979Arg). The proline residue is highly conserved and there is a moderate physicochemical difference between proline and arginine. In summary, the available evidence is currently insufficient to determine the role of this variant in disease. Therefore, it has been classified as a Variant of Uncertain Significance. Algorithms developed to predict the effect of missense changes on protein structure and function are either unavailable or do not agree on the potential impact of this missense change (SIFT: "Deleterious"; PolyPhen-2: "Probably Damaging"; Align-GVGD: "Class C15"). This variant has not been reported in the literature in individuals with LAMB2-related disease. This variant is not present in population databases (ExAC no frequency).

NM_002292.4(LAMB2):c.2936C>G (p.Pro979Arg)

Gene: LAMB2 (laminin subunit beta 2; minus strand). Cytogenetic location: 3p21.31.
Variant type: single nucleotide variant.
Coding change: c.2936C>G on transcript NM_002292.4 (MANE Select); coding-DNA position 2936, C replaced by G.
Protein change: p.Pro979Arg; replaces proline 979 with arginine.
Molecular consequence: missense variant.
Genome position (GRCh38, 1-based): chr3:49,124,874, G>C on the plus strand (C>G on the coding strand, the complement: LAMB2 is on the minus strand). VCF-style: chr3-49124874-G-C. GRCh37 (hg19) VCF-style: chr3-49162307-G-C.
Other names: short protein forms P979R.
Identifiers: ClinVar variation 642962 (VCV000642962.6), dbSNP rs1575532774, ClinGen allele CA352714755.